The following is an entry in ClinVar:

ClinVar aggregate classification (germline): Uncertain significance. Review status: criteria provided, multiple submitters, no conflicts (2 of 4 stars). 2 submissions from 2 submitters: Uncertain significance (2). Last evaluated 2023-08-28.

Conditions:
Hereditary cancer-predisposing syndrome. Also called: Hereditary Cancer Syndrome; Tumor predisposition; Hereditary neoplastic syndrome; Neoplastic Syndromes, Hereditary. Identifiers: Orphanet 140162, MedGen C0027672, MeSH D009386, MONDO:0015356.
Hereditary nonpolyposis colorectal neoplasms. Identifiers: MedGen C0009405, MeSH D003123.

Allele frequency attached by ClinVar (database versions not stated): gnomAD exomes below 0.00001.
gnomAD v4.1: 1 of 1,578,638 alleles (0.000063%); highest among the groups gnomAD compares: South Asian, 0.0012%; no homozygotes.

Submissions (2):

Ambry Genetics
Classification: Uncertain significance for Hereditary cancer-predisposing syndrome. Last evaluated: 2023-08-28. Review status: criteria provided, single submitter. Criteria: Ambry Variant Classification Scheme 2023. Collection method: clinical testing. Allele origin: germline.
Comment: The p.I981T variant (also known as c.2942T>C), located in coding exon 4 of the MSH6 gene, results from a T to C substitution at nucleotide position 2942. The isoleucine at codon 981 is replaced by threonine, an amino acid with similar properties. This amino acid position is conserved. In addition, this alteration is predicted to be deleterious by in silico analysis. Since supporting evidence is limited at this time, the clinical significance of this alteration remains unclear.

Labcorp Genetics (formerly Invitae), Labcorp
Classification: Uncertain significance for Hereditary nonpolyposis colorectal neoplasms. Last evaluated: 2022-03-07. Review status: criteria provided, single submitter. Criteria: Invitae Variant Classification Sherloc (09022015). Collection method: clinical testing. Allele origin: germline.
Comment: In summary, the available evidence is currently insufficient to determine the role of this variant in disease. Therefore, it has been classified as a Variant of Uncertain Significance. Advanced modeling of protein sequence and biophysical properties (such as structural, functional, and spatial information, amino acid conservation, physicochemical variation, residue mobility, and thermodynamic stability) performed at Invitae indicates that this missense variant is expected to disrupt MSH6 protein function. ClinVar contains an entry for this variant (Variation ID: 1045199). This variant has not been reported in the literature in individuals affected with MSH6-related conditions. This variant is not present in population databases (gnomAD no frequency). This sequence change replaces isoleucine, which is neutral and non-polar, with threonine, which is neutral and polar, at codon 981 of the MSH6 protein (p.Ile981Thr).

NM_000179.3(MSH6):c.2942T>C (p.Ile981Thr)

Gene: MSH6 (mutS homolog 6; plus strand). Cytogenetic location: 2p16.3.
Variant type: single nucleotide variant.
Coding change: c.2942T>C on transcript NM_000179.3 (MANE Select); coding-DNA position 2942, T replaced by C.
Protein change: p.Ile981Thr; replaces isoleucine 981 with threonine.
Molecular consequence: missense variant.
Genome position (GRCh38, 1-based): chr2:47,800,925, T>C. VCF-style: chr2-47800925-T-C. GRCh37 (hg19) VCF-style: chr2-48028064-T-C.
Other names: c.2552T>C, p.Ile851Thr (NM_001281492.2); c.2036T>C, p.Ile679Thr (NM_001281493.2, NM_001281494.2); c.2942T>C (NM_000179.2); short protein forms I851T, I679T, I981T.
Identifiers: ClinVar variation 1045199 (VCV001045199.11), dbSNP rs1669530348, ClinGen allele CA346756225.
Genomic context (GRCh38, chr2:47,800,925, plus strand): 5'-GAATTGGCTGTAGGACCATAGTCTATTGGGGGATTGGTAGGAACCGTTACCAGCTGGAAA[T>C]TCCTGAGAATTTCACCACTCGCAATTTGCCAGAAGAATACGAGTTGAAATCTACCAAGAA-3'
Protein context (NP_000170.1, residues 971-991): GIGRNRYQLE[Ile981Thr]PENFTTRNLP